The following is an entry in ClinVar:

NM_005591.4(MRE11):c.1778G>A (p.Gly593Glu)

Gene: MRE11 (MRE11 double strand break repair nuclease; minus strand). Cytogenetic location: 11q21.
Variant type: single nucleotide variant.
Coding change: c.1778G>A on transcript NM_005591.4 (MANE Select); coding-DNA position 1778, G replaced by A.
Protein change: p.Gly593Glu; replaces glycine 593 with glutamic acid.
Molecular consequence: missense variant.
Genome position (GRCh38, 1-based): chr11:94,447,224, C>T on the plus strand (G>A on the coding strand, the complement: MRE11 is on the minus strand). VCF-style: chr11-94447224-C-T. GRCh37 (hg19) VCF-style: chr11-94180390-C-T.
Other names: c.1778G>A, p.Gly593Glu (NM_001330347.2, NM_005590.4); short protein forms G593E.
Identifiers: ClinVar variation 1799915 (VCV001799915.2), dbSNP rs2496292792, ClinGen allele CA382368037.

ClinVar aggregate classification (germline): Uncertain significance (1 of 4 stars; one submission).

Conditions:
Hereditary cancer-predisposing syndrome. Also called: Neoplastic Syndromes, Hereditary; Tumor predisposition; Hereditary Cancer Syndrome; Hereditary neoplastic syndrome. Identifiers: Orphanet 140162, MedGen C0027672, MeSH D009386, MONDO:0015356.

Submission:

Ambry Genetics
Classification: Uncertain significance for Hereditary cancer-predisposing syndrome. Last evaluated: 2021-06-25. Review status: criteria provided, single submitter. Criteria: Ambry Variant Classification Scheme 2023. Collection method: clinical testing. Allele origin: germline.
Comment: The p.G593E variant (also known as c.1778G>A), located in coding exon 14 of the MRE11A gene, results from a G to A substitution at nucleotide position 1778. The glycine at codon 593 is replaced by glutamic acid, an amino acid with similar properties. This amino acid position is well conserved in available vertebrate species. In addition, the in silico prediction for this alteration is inconclusive. Since supporting evidence is limited at this time, the clinical significance of this alteration remains unclear.